The following is an entry in ClinVar:

NM_003283.6(TNNT1):c.144T>A (p.Pro48=)

Gene: TNNT1 (troponin T1, slow skeletal type; minus strand). Cytogenetic location: 19q13.42.
Variant type: single nucleotide variant.
Coding change: c.144T>A on transcript NM_003283.6 (MANE Select); coding-DNA position 144, T replaced by A.
Protein change: p.Pro48=; no amino-acid change (proline 48 retained).
Molecular consequence: synonymous variant.
Genome position (GRCh38, 1-based): chr19:55,141,905, A>T on the plus strand (T>A on the coding strand, the complement: TNNT1 is on the minus strand). VCF-style: chr19-55141905-A-T. GRCh37 (hg19) VCF-style: chr19-55653273-A-T.
Other names: c.144T>A, p.Pro48= (NM_001126132.3); c.111T>A, p.Pro37= (NM_001126133.3, NM_001291774.2).
Identifiers: ClinVar variation 392557 (VCV000392557.9), dbSNP rs141999523, ClinGen allele CA9667540.

ClinVar aggregate classification (germline): Likely benign. Review status: criteria provided, multiple submitters, no conflicts (2 of 4 stars). 2 submissions from 2 submitters: Likely benign (2). Last evaluated 2024-10-03.

Conditions:
Nemaline myopathy 5 (NEM5A). Also called: NEMALINE MYOPATHY 5A, AUTOSOMAL RECESSIVE, SEVERE INFANTILE; Nemaline myopathy 5, Amish type; NEMALINE MYOPATHY, AMISH TYPE. Identifiers: Orphanet 98902, MedGen C1854380, MONDO:0011539, OMIM 605355.

Allele frequency attached by ClinVar (database versions not stated): gnomAD exomes below 0.00001 and 0.00001; ExAC 0.00001; gnomAD 0.00001; TOPMed 0.00001; ESP Exome Variant Server 0.00008.
gnomAD v4.1: 3 of 1,613,862 alleles (0.00019%); highest among the groups gnomAD compares: Non-Finnish European, 0.00025%; no homozygotes.

Submissions (2):

Labcorp Genetics (formerly Invitae), Labcorp
Classification: Likely benign for Nemaline myopathy 5. Last evaluated: 2024-10-03. Review status: criteria provided, single submitter. Criteria: Invitae Variant Classification Sherloc (09022015). Collection method: clinical testing. Allele origin: germline.

GeneDx
Classification: Likely benign. Last evaluated: 2017-07-31. Review status: criteria provided, single submitter. Criteria: GeneDx Variant Classification (06012015). Collection method: clinical testing. Allele origin: germline. Affected: yes.
Comment: This variant is considered likely benign or benign based on one or more of the following criteria: it is a conservative change, it occurs at a poorly conserved position in the protein, it is predicted to be benign by multiple in silico algorithms, and/or has population frequency not consistent with disease.